The following is an entry in ClinVar:

NM_001854.4(COL11A1):c.106+82C>T

Gene: COL11A1 (collagen type XI alpha 1 chain; minus strand). Cytogenetic location: 1p21.1.
Variant type: single nucleotide variant.
Coding change: c.106+82C>T on transcript NM_001854.4 (MANE Select); 82 bases into the intron after coding-DNA position 106, C replaced by T.
Molecular consequence: intron variant.
Genome position (GRCh38, 1-based): chr1:103,107,991, G>A on the plus strand (C>T on the coding strand, the complement: COL11A1 is on the minus strand). VCF-style: chr1-103107991-G-A. GRCh37 (hg19) VCF-style: chr1-103573547-G-A.
Other names: c.106+82C>T (NM_001190709.2, NM_080629.3, NM_080630.4).
Identifiers: ClinVar variation 674747 (VCV000674747.2), dbSNP rs6691654, ClinGen allele CA16062739.
Genomic context (GRCh38, chr1:103,107,991, plus strand): 5'-CTACAATCTGGATTGTATTTAAGGGAATTGCTTTTTTTTTTTTTTCTTGAAGAGCGGGGA[G>A]GAAGGGTAAAGTGGGGGGAGGGGCGCAGAAGCAGTAGGACCGACGGCAATCTCCCACCTC-3'

ClinVar aggregate classification (germline): Benign. Review status: criteria provided, multiple submitters, no conflicts (2 of 4 stars). 2 submissions from 2 submitters: Benign (2). Last evaluated 2018-06-14.

Allele frequency attached by ClinVar (database versions not stated): 1000 Genomes Project 30x 0.86477; TOPMed 0.86553; 1000 Genomes Project 0.87161; gnomAD 0.87303 and 0.88119; gnomAD exomes 0.98271.
gnomAD v4.1: 870,666 of 901,942 alleles (97%); highest among the groups gnomAD compares: East Asian, 100%; 424,945 homozygotes.

Submissions (2):

GeneDx
Classification: Benign. Last evaluated: 2018-06-14. Review status: criteria provided, single submitter. Criteria: GeneDx Variant Classification (06012015). Collection method: clinical testing. Allele origin: germline. Affected: yes.
Comment: This variant is considered likely benign or benign based on one or more of the following criteria: it is a conservative change, it occurs at a poorly conserved position in the protein, it is predicted to be benign by multiple in silico algorithms, and/or has population frequency not consistent with disease.

Breakthrough Genomics
Classification: Benign. Review status: criteria provided, single submitter. Criteria: ACMG Guidelines, 2015. Collection method: not provided. Allele origin: germline. Inheritance: Autosomal recessive inheritance. Affected: yes.